The following is an entry in ClinVar:

ClinVar aggregate classification (germline): Uncertain significance. Review status: criteria provided, single submitter (1 of 4 stars). 2 submissions from 2 submitters: Uncertain significance (1). 1 of the submissions does not count toward it. Last evaluated 2025-06-30.

Conditions:
Inborn genetic diseases. Identifiers: MedGen C0950123, MeSH D030342.
AFF3-related disorder. Also called: AFF3-related condition.

Allele frequency attached by ClinVar (database versions not stated): gnomAD exomes 0.00002.
gnomAD v4.1: 29 of 1,612,850 alleles (0.0018%); highest among the groups gnomAD compares: Non-Finnish European, 0.0023%; no homozygotes.

Submissions (2):

Ambry Genetics
Classification: Uncertain significance for Inborn genetic diseases. Last evaluated: 2025-06-30. Review status: criteria provided, single submitter. Criteria: Ambry Variant Classification Scheme 2023. Collection method: clinical testing. Allele origin: germline.

PreventionGenetics, part of Exact Sciences
Classification: Likely benign for AFF3-related condition. Last evaluated: 2024-01-10. Review status: no assertion criteria provided. Collection method: clinical testing. Allele origin: germline. Not counted in ClinVar's aggregate classification.
Comment: This variant is classified as likely benign based on ACMG/AMP sequence variant interpretation guidelines (Richards et al. 2015 PMID: 25741868, with internal and published modifications).

NM_001386135.1(AFF3):c.1921C>G (p.Leu641Val)

Gene: AFF3 (ALF transcription elongation factor 3; minus strand). Cytogenetic location: 2q11.2.
Variant type: single nucleotide variant.
Coding change: c.1921C>G on transcript NM_001386135.1 (MANE Select); coding-DNA position 1921, C replaced by G.
Protein change: p.Leu641Val; replaces leucine 641 with valine.
Molecular consequence: missense variant.
Genome position (GRCh38, 1-based): chr2:99,593,740, G>C on the plus strand (C>G on the coding strand, the complement: AFF3 is on the minus strand). VCF-style: chr2-99593740-G-C. GRCh37 (hg19) VCF-style: chr2-100210202-G-C.
Other names: c.1996C>G (NM_001025108.1); c.1996C>G, p.Leu666Val (NM_001025108.2); c.1921C>G, p.Leu641Val (NM_002285.3); short protein forms L641V, L666V.
Identifiers: ClinVar variation 3059122 (VCV003059122.3), dbSNP rs942109412, ClinGen allele CA347887769.